The following is an entry in ClinVar:

ClinVar aggregate classification (germline): Uncertain significance (1 of 4 stars; one submission).

Conditions:
Agammaglobulinemia 3, autosomal recessive (AGM3). Also called: AGAMMAGLOBULINEMIA 3; AGAMMAGLOBULINEMIA, AUTOSOMAL RECESSIVE, DUE TO CD79A DEFECT. Identifiers: MedGen C3150751, MONDO:0013288, OMIM 613501.

Allele frequency attached by ClinVar (database versions not stated): ExAC 0.00002; gnomAD exomes 0.00002; gnomAD 0.00004; TOPMed 0.00006; ESP Exome Variant Server 0.00015.
gnomAD v4.1: 31 of 1,613,940 alleles (0.0019%); highest among the groups gnomAD compares: East Asian, 0.0089%; no homozygotes.

Submission:

Labcorp Genetics (formerly Invitae), Labcorp
Classification: Uncertain significance for Agammaglobulinemia 3, autosomal recessive. Last evaluated: 2025-10-01. Review status: criteria provided, single submitter. Criteria: Invitae Variant Classification Sherloc (09022015). Collection method: clinical testing. Allele origin: germline.
Comment: This sequence change replaces valine, which is neutral and non-polar, with isoleucine, which is neutral and non-polar, at codon 64 of the CD79A protein (p.Val64Ile). This variant is present in population databases (rs374041941, gnomAD 0.01%). This variant has not been reported in the literature in individuals affected with CD79A-related conditions. ClinVar contains an entry for this variant (Variation ID: 2147498). An algorithm developed to predict the effect of missense changes on protein structure and function outputs the following: PolyPhen-2: "Benign". The isoleucine amino acid residue is found in multiple mammalian species, which suggests that this missense change does not adversely affect protein function. In summary, the available evidence is currently insufficient to determine the role of this variant in disease. Therefore, it has been classified as a Variant of Uncertain Significance.

NM_001783.4(CD79A):c.190G>A (p.Val64Ile)

Genes: CD79A (CD79a molecule; plus strand), RPS19-CD79A (RPS19-CD79A readthrough; plus strand). Cytogenetic location: 19q13.2.
Variant type: single nucleotide variant.
Coding change: c.190G>A on transcript NM_001783.4 (MANE Select); coding-DNA position 190, G replaced by A.
Protein change: p.Val64Ile; replaces valine 64 with isoleucine.
Molecular consequence: missense variant.
Genome position (GRCh38, 1-based): chr19:41,879,100, G>A. VCF-style: chr19-41879100-G-A. GRCh37 (hg19) VCF-style: chr19-42383170-G-A.
Other names: c.190G>A, p.Val64Ile (NM_021601.4); short protein forms V64I.
Identifiers: ClinVar variation 2147498 (VCV002147498.2), dbSNP rs374041941, ClinGen allele CA9465536.